The following is an entry in ClinVar:

NM_016107.5(ZFR):c.2572G>A (p.Glu858Lys)

Gene: ZFR (zinc finger RNA binding protein; minus strand). Cytogenetic location: 5p13.3.
Variant type: single nucleotide variant.
Coding change: c.2572G>A on transcript NM_016107.5 (MANE Select); coding-DNA position 2572, G replaced by A.
Protein change: p.Glu858Lys; replaces glutamic acid 858 with lysine.
Molecular consequence: missense variant. On other transcripts: non-coding transcript variant (1).
Genome position (GRCh38, 1-based): chr5:32,385,577, C>T on the plus strand (G>A on the coding strand, the complement: ZFR is on the minus strand). VCF-style: chr5-32385577-C-T. GRCh37 (hg19) VCF-style: chr5-32385683-C-T.
Other names: short protein forms E858K.
Identifiers: ClinVar variation 2169652 (VCV002169652.4), dbSNP rs1429746049, ClinGen allele CA359352509.

ClinVar aggregate classification (germline): Uncertain significance (1 of 4 stars; one submission).

Conditions:
Pure or complex autosomal recessive spastic paraplegia. Identifiers: Orphanet 320346, MedGen C5679887, MONDO:0017915.

Allele frequency attached by ClinVar (database versions not stated): gnomAD exomes below 0.00001; TOPMed 0.00001; gnomAD 0.00003.
gnomAD v4.1: 5 of 1,613,352 alleles (0.00031%); highest among the groups gnomAD compares: African/African-American, 0.0067%; no homozygotes.

Submission:

Labcorp Genetics (formerly Invitae), Labcorp
Classification: Uncertain significance for Pure or complex autosomal recessive spastic paraplegia. Last evaluated: 2022-06-25. Review status: criteria provided, single submitter. Criteria: Invitae Variant Classification Sherloc (09022015). Collection method: clinical testing. Allele origin: germline.
Comment: This variant has not been reported in the literature in individuals affected with ZFR-related conditions. This variant is present in population databases (no rsID available, gnomAD 0.01%). This sequence change replaces glutamic acid, which is acidic and polar, with lysine, which is basic and polar, at codon 858 of the ZFR protein (p.Glu858Lys). Algorithms developed to predict the effect of missense changes on protein structure and function are either unavailable or do not agree on the potential impact of this missense change (SIFT: "Deleterious"; PolyPhen-2: "Not Available"; Align-GVGD: "Class C55"). In summary, the available evidence is currently insufficient to determine the role of this variant in disease. Therefore, it has been classified as a Variant of Uncertain Significance.